The following is an entry in ClinVar:

NM_176824.3(BBS7):c.1904A>G (p.His635Arg)

Gene: BBS7 (Bardet-Biedl syndrome 7; minus strand). Cytogenetic location: 4q27.
Variant type: single nucleotide variant.
Coding change: c.1904A>G on transcript NM_176824.3 (MANE Select); coding-DNA position 1904, A replaced by G.
Protein change: p.His635Arg; replaces histidine 635 with arginine.
Molecular consequence: missense variant.
Genome position (GRCh38, 1-based): chr4:121,828,256, T>C on the plus strand (A>G on the coding strand, the complement: BBS7 is on the minus strand). VCF-style: chr4-121828256-T-C. GRCh37 (hg19) VCF-style: chr4-122749411-T-C.
Other names: c.1904A>G, p.His635Arg (NM_018190.4); short protein forms H635R.
Identifiers: ClinVar variation 2630882 (VCV002630882.2), dbSNP rs1233960628, ClinGen allele CA358054536.
Genomic context (GRCh38, chr4:121,828,256, plus strand): 5'-TGATCTGCCTCTTCTAGAATACAGTGATATTCTGGTATCAGAAAGTTCGTATTTCCCTCA[T>C]GAATCTGTAATTCCTATTTAAAATGAAAAACAGAAGCACCTTAATATTCAAAATTCAATC-3'
Protein context (NP_789794.1, residues 625-645): LIDALKELQI[His635Arg]EGNTNFLIPE

ClinVar aggregate classification (germline): Uncertain significance. Review status: criteria provided, multiple submitters, no conflicts (2 of 4 stars). 2 submissions from 2 submitters: Uncertain significance (2). Last evaluated 2024-01-10.

Conditions:
Bardet-Biedl syndrome 7 (BBS7). Identifiers: Orphanet 110, MedGen C1859565, MONDO:0014435, OMIM 615984.
BBS7-related disorder. Also called: BBS7-related condition.

Allele frequency attached by ClinVar (database versions not stated): TOPMed below 0.00001.

Submissions (2):

Fulgent Genetics
Classification: Uncertain significance for Bardet-Biedl syndrome 7. Last evaluated: 2024-01-10. Review status: criteria provided, single submitter. Criteria: ACMG Guidelines, 2015. Collection method: clinical testing. Allele origin: germline.

PreventionGenetics, part of Exact Sciences
Classification: Uncertain significance for BBS7-related condition. Last evaluated: 2022-12-31. Review status: criteria provided, single submitter. Criteria: ACMG Guidelines, 2015. Collection method: clinical testing. Allele origin: germline.
Comment: The BBS7 c.1904A>G variant is predicted to result in the amino acid substitution p.His635Arg. To our knowledge, this variant has not been reported in the literature or in a large population database, indicating this variant is rare. At this time, the clinical significance of this variant is uncertain due to the absence of conclusive functional and genetic evidence.